The following is an entry in ClinVar:

NM_001081.4(CUBN):c.3761G>A (p.Ser1254Asn)

Gene: CUBN (cubilin; minus strand). Cytogenetic location: 10p13.
Variant type: single nucleotide variant.
Coding change: c.3761G>A on transcript NM_001081.4 (MANE Select); coding-DNA position 3761, G replaced by A.
Protein change: p.Ser1254Asn; replaces serine 1254 with asparagine.
Molecular consequence: missense variant.
Genome position (GRCh38, 1-based): chr10:17,043,895, C>T on the plus strand (G>A on the coding strand, the complement: CUBN is on the minus strand). VCF-style: chr10-17043895-C-T. GRCh37 (hg19) VCF-style: chr10-17085894-C-T.
Other names: short protein forms S1254N.
Identifiers: ClinVar variation 4761578 (VCV004761578.1).

ClinVar aggregate classification (germline): Uncertain significance (1 of 4 stars; one submission).

Conditions:
Imerslund-Grasbeck syndrome. Also called: ENTEROCYTE COBALAMIN MALABSORPTION; ENTEROCYTE INTRINSIC FACTOR RECEPTOR, DEFECT OF; PERNICIOUS ANEMIA, JUVENILE, DUE TO SELECTIVE INTESTINAL MALABSORPTION OF VITAMIN B12, WITH PROTEINURIA; Megaloblastic anemia due to inborn errors of metabolism; Imerslund-Gräsbeck syndrome. Identifiers: Orphanet 35858, MedGen C4551825, MONDO:0009853.

gnomAD v4.1: 1 of 1,613,616 alleles (0.000062%); highest among the groups gnomAD compares: Non-Finnish European, 0.000085%; no homozygotes.

Submission:

Labcorp Genetics (formerly Invitae), Labcorp
Classification: Uncertain significance for Imerslund-Grasbeck syndrome. Last evaluated: 2025-04-22. Review status: criteria provided, single submitter. Criteria: Invitae Variant Classification Sherloc (09022015). Collection method: clinical testing. Allele origin: germline.
Comment: This sequence change replaces serine, which is neutral and polar, with asparagine, which is neutral and polar, at codon 1254 of the CUBN protein (p.Ser1254Asn). This variant is not present in population databases (gnomAD no frequency). This variant has not been reported in the literature in individuals affected with CUBN-related conditions. Invitae Evidence Modeling of protein sequence and biophysical properties (such as structural, functional, and spatial information, amino acid conservation, physicochemical variation, residue mobility, and thermodynamic stability) indicates that this missense variant is not expected to disrupt CUBN protein function with a negative predictive value of 80%. In summary, the available evidence is currently insufficient to determine the role of this variant in disease. Therefore, it has been classified as a Variant of Uncertain Significance.